The following is an entry in ClinVar:

NM_138773.4(SLC25A46):c.93G>C (p.Arg31Ser)

Gene: SLC25A46 (solute carrier family 25 member 46; plus strand). Cytogenetic location: 5q22.1.
Variant type: single nucleotide variant.
Coding change: c.93G>C on transcript NM_138773.4 (MANE Select); coding-DNA position 93, G replaced by C.
Protein change: p.Arg31Ser; replaces arginine 31 with serine.
Molecular consequence: missense variant. On other transcripts: non-coding transcript variant (1), intron variant (1).
Genome position (GRCh38, 1-based): chr5:110,739,212, G>C. VCF-style: chr5-110739212-G-C. GRCh37 (hg19) VCF-style: chr5-110074913-G-C.
Other names: c.93G>C, p.Arg31Ser (NM_001303249.3); c.10+965G>C (NM_001303250.3); short protein forms R31S.
Identifiers: ClinVar variation 1426347 (VCV001426347.3), dbSNP rs2150404149, ClinGen allele CA360693127.
Genomic context (GRCh38, chr5:110,739,212, plus strand): 5'-CTTGGGCTACCGGGGTGGTGCCCGGGACGAGCAGGGCTTTGGCGGCGCCTTCCCTGCAAG[G>C]TCCTTCAGCACCGGGTCGGACCTGGGCCACTGGGTGACGACTCCCCCAGATATCCCCGGC-3'
Protein context (NP_620128.1, residues 21-41): EQGFGGAFPA[Arg31Ser]SFSTGSDLGH

ClinVar aggregate classification (germline): Uncertain significance (1 of 4 stars; one submission).

Conditions:
Neuropathy, hereditary motor and sensory, type 6B (HMSN6B). Also called: HMSN VIB; CHARCOT-MARIE-TOOTH DISEASE, TYPE 6B; Neuropathy, hereditary motor and sensory, type VIB; NEUROPATHY, HEREDITARY MOTOR AND SENSORY, TYPE VIB, WITH OPTIC ATROPHY. Identifiers: MedGen C4225302, MONDO:0014671, OMIM 616505.

Submission:

Labcorp Genetics (formerly Invitae), Labcorp
Classification: Uncertain significance for Neuropathy, hereditary motor and sensory, type 6B. Last evaluated: 2021-11-20. Review status: criteria provided, single submitter. Criteria: Invitae Variant Classification Sherloc (09022015). Collection method: clinical testing. Allele origin: germline.
Comment: This sequence change replaces arginine, which is basic and polar, with serine, which is neutral and polar, at codon 31 of the SLC25A46 protein (p.Arg31Ser). This variant is not present in population databases (gnomAD no frequency). This variant has not been reported in the literature in individuals affected with SLC25A46-related conditions. Algorithms developed to predict the effect of missense changes on protein structure and function are either unavailable or do not agree on the potential impact of this missense change (SIFT: "Deleterious"; PolyPhen-2: "Benign"; Align-GVGD: "Class C0"). In summary, the available evidence is currently insufficient to determine the role of this variant in disease. Therefore, it has been classified as a Variant of Uncertain Significance.